The following is an entry in ClinVar:

NM_052963.3(TOP1MT):c.1215C>T (p.Thr405=)

Gene: TOP1MT (DNA topoisomerase I mitochondrial; minus strand). Cytogenetic location: 8q24.3.
Variant type: single nucleotide variant.
Coding change: c.1215C>T on transcript NM_052963.3 (MANE Select); coding-DNA position 1215, C replaced by T.
Protein change: p.Thr405=; no amino-acid change (threonine 405 retained).
Molecular consequence: synonymous variant.
Genome position (GRCh38, 1-based): chr8:143,318,018, G>A on the plus strand (C>T on the coding strand, the complement: TOP1MT is on the minus strand). VCF-style: chr8-143318018-G-A. GRCh37 (hg19) VCF-style: chr8-144400188-G-A.
Other names: c.921C>T, p.Thr307= (NM_001258446.1, NM_001258447.1).
Identifiers: ClinVar variation 3604370 (VCV003604370.2).
Genomic context (GRCh38, chr8:143,318,018, plus strand): 5'-CCACGCCCTCTCACTGGGTCCTGCCGCCGCCCACTGCTGAGGAAACACGAGCCGGCTTAC[G>A]GTCAGCCTGTCGAAGAGGTCGTCCCGGGGGTCCTTGTTCTCCATAAAGAGCTGTAAGTTC-3'
Protein context (NP_443195.1, residues 395-415): DPRDDLFDRL[Thr405=]TTSLNKHLQE

ClinVar aggregate classification (germline): Uncertain significance (1 of 4 stars; one submission).

gnomAD v4.1: 111 of 1,614,058 alleles (0.0069%); highest among the groups gnomAD compares: Non-Finnish European, 0.0082%; no homozygotes.

Submission:

Labcorp Genetics (formerly Invitae), Labcorp
Classification: Uncertain significance. Last evaluated: 2024-08-31. Review status: criteria provided, single submitter. Criteria: Invitae Variant Classification Sherloc (09022015). Collection method: clinical testing. Allele origin: germline.
Comment: This sequence change affects codon 405 of the TOP1MT mRNA. It is a 'silent' change, meaning that it does not change the encoded amino acid sequence of the TOP1MT protein. It affects a nucleotide within the consensus splice site. This variant is present in population databases (rs200620517, gnomAD 0.006%). This variant has not been reported in the literature in individuals affected with TOP1MT-related conditions. Algorithms developed to predict the effect of sequence changes on RNA splicing suggest that this variant is not likely to affect RNA splicing. In summary, the available evidence is currently insufficient to determine the role of this variant in disease. Therefore, it has been classified as a Variant of Uncertain Significance.